The following is an entry in ClinVar:

ClinVar aggregate classification (germline): Likely benign. Review status: criteria provided, multiple submitters, no conflicts (2 of 4 stars). 3 submissions from 3 submitters: Likely benign (2). 1 of the submissions does not count toward it. Last evaluated 2025-10-29.

Conditions:
ABCC6-related disorder. Also called: ABCC6-related condition.

Allele frequency attached by ClinVar (database versions not stated): TOPMed 0.00001; ExAC 0.00002.
gnomAD v4.1: 23 of 1,612,920 alleles (0.0014%); highest among the groups gnomAD compares: Non-Finnish European, 0.0018%; no homozygotes.

Submissions (3):

Labcorp Genetics (formerly Invitae), Labcorp
Classification: Likely benign. Last evaluated: 2025-10-29. Review status: criteria provided, single submitter. Criteria: Invitae Variant Classification Sherloc (09022015). Collection method: clinical testing. Allele origin: germline.

Blueprint Genetics
Classification: Likely benign. Last evaluated: 2024-05-31. Review status: criteria provided, single submitter. Criteria: ACMG Guidelines, 2015. Collection method: clinical testing. Allele origin: germline.

PreventionGenetics, part of Exact Sciences
Classification: Likely benign for ABCC6-related condition. Last evaluated: 2023-04-04. Review status: no assertion criteria provided. Collection method: clinical testing. Allele origin: germline. Not counted in ClinVar's aggregate classification.
Comment: This variant is classified as likely benign based on ACMG/AMP sequence variant interpretation guidelines (Richards et al. 2015 PMID: 25741868, with internal and published modifications).

NM_001171.6(ABCC6):c.3307-5C>T

Gene: ABCC6 (ATP binding cassette subfamily C member 6; minus strand). Cytogenetic location: 16p13.11.
Variant type: single nucleotide variant.
Coding change: c.3307-5C>T on transcript NM_001171.6 (MANE Select); 5 bases into the intron before coding-DNA position 3307, C replaced by T.
Molecular consequence: intron variant.
Genome position (GRCh38, 1-based): chr16:16,163,197, G>A on the plus strand (C>T on the coding strand, the complement: ABCC6 is on the minus strand). VCF-style: chr16-16163197-G-A. GRCh37 (hg19) VCF-style: chr16-16257054-G-A.
Other names: c.2965-5C>T (NM_001351800.1); c.3307-5C>T (NM_001171.5).
Identifiers: ClinVar variation 1559168 (VCV001559168.11), dbSNP rs781312345, ClinGen allele CA7925609.